The following is an entry in ClinVar:

NM_001165963.4(SCN1A):c.4002+2184T>C

Genes: SCN1A (sodium voltage-gated channel alpha subunit 1; minus strand), LOC102724058 (uncharacterized LOC102724058; plus strand). Cytogenetic location: 2q24.3.
Variant type: single nucleotide variant.
Coding change: c.4002+2184T>C on transcript NM_001165963.4 (MANE Select); 2184 bases into the intron after coding-DNA position 4002, T replaced by C.
Molecular consequence: intron variant.
Genome position (GRCh38, 1-based): chr2:166,007,535, A>G on the plus strand (T>C on the coding strand, the complement: SCN1A is on the minus strand). VCF-style: chr2-166007535-A-G. GRCh37 (hg19) VCF-style: chr2-166864045-A-G.
Other names: c.3969+2184T>C (NM_001353949.2, NM_001353950.2, NM_001353951.2 and 2 more transcripts); c.3918+2184T>C (NM_001353958.2, NM_001353957.2, NM_001165964.3); c.4002+2184T>C (NM_001202435.3, NM_001353948.2); c.3966+2184T>C (NM_001353955.2, NM_001353954.2); c.3915+2184T>C (NM_001353960.2); c.1560+2184T>C (NM_001353961.2).
Identifiers: ClinVar variation 2001189 (VCV002001189.4), dbSNP rs1691822645, ClinGen allele CA1038836634.

ClinVar aggregate classification (germline): Uncertain significance (1 of 4 stars; one submission).

Conditions:
Early-infantile DEE. Also called: Early infantile epileptic encephalopathy; Ohtahara syndrome; Early infantile epileptic encephalopathy with suppression bursts. Identifiers: Orphanet 1934, MedGen C0393706, MONDO:0800491.

Allele frequency attached by ClinVar (database versions not stated): TOPMed 0.00003; gnomAD 0.00004.
gnomAD v4.1: 6 of 151,398 alleles (0.004%); highest among the groups gnomAD compares: Admixed American, 0.04%; no homozygotes.

Submission:

Labcorp Genetics (formerly Invitae), Labcorp
Classification: Uncertain significance for Early-infantile DEE. Last evaluated: 2024-05-15. Review status: criteria provided, single submitter. Criteria: Invitae Variant Classification Sherloc (09022015). Collection method: clinical testing. Allele origin: germline.
Comment: This sequence change falls in intron 20 of the SCN1A gene. It does not directly change the encoded amino acid sequence of the SCN1A protein. However, this sequence change falls within a region encompassing a cryptic exon in the SCN1A gene, in which variants have been shown to alter splicing (PMID: 30526861, 34107977). This variant is not present in population databases (gnomAD no frequency). This variant has not been reported in the literature in individuals affected with SCN1A-related conditions. ClinVar contains an entry for this variant (Variation ID: 2001189). Algorithms developed to predict the effect of sequence changes on RNA splicing suggest that this variant is not likely to affect RNA splicing. In summary, the available evidence is currently insufficient to determine the role of this variant in disease. Therefore, it has been classified as a Variant of Uncertain Significance.

Literature cited by the submitters: PubMed 30526861; PubMed 34107977.